The following is an entry in ClinVar:

ClinVar aggregate classification (germline): Uncertain significance (1 of 4 stars; one submission).

Allele frequency attached by ClinVar (database versions not stated): gnomAD exomes below 0.00001.
gnomAD v4.1: 3 of 1,614,158 alleles (0.00019%); highest among the groups gnomAD compares: South Asian, 0.0022%; no homozygotes.

Submission:

Labcorp Genetics (formerly Invitae), Labcorp
Classification: Uncertain significance. Last evaluated: 2022-08-31. Review status: criteria provided, single submitter. Criteria: Invitae Variant Classification Sherloc (09022015). Collection method: clinical testing. Allele origin: germline.
Comment: Algorithms developed to predict the effect of missense changes on protein structure and function are either unavailable or do not agree on the potential impact of this missense change (SIFT: "Deleterious"; PolyPhen-2: "Benign"; Align-GVGD: "Class C65"). ClinVar contains an entry for this variant (Variation ID: 1373467). In summary, the available evidence is currently insufficient to determine the role of this variant in disease. Therefore, it has been classified as a Variant of Uncertain Significance. This variant is not present in population databases (gnomAD no frequency). This variant has not been reported in the literature in individuals affected with MERTK-related conditions. This sequence change replaces alanine, which is neutral and non-polar, with serine, which is neutral and polar, at codon 220 of the MERTK protein (p.Ala220Ser).

NM_006343.3(MERTK):c.658G>T (p.Ala220Ser)

Gene: MERTK (MER proto-oncogene, tyrosine kinase; plus strand). Cytogenetic location: 2q13.
Variant type: single nucleotide variant.
Coding change: c.658G>T on transcript NM_006343.3 (MANE Select); coding-DNA position 658, G replaced by T.
Protein change: p.Ala220Ser; replaces alanine 220 with serine.
Molecular consequence: missense variant.
Genome position (GRCh38, 1-based): chr2:111,947,468, G>T. VCF-style: chr2-111947468-G-T. GRCh37 (hg19) VCF-style: chr2-112705045-G-T.
Other names: short protein forms A220S.
Identifiers: ClinVar variation 1373467 (VCV001373467.6), dbSNP rs1684980525, ClinGen allele CA348229115.